The following is an entry in ClinVar:

ClinVar aggregate classification (germline): Uncertain significance (1 of 4 stars; one submission).

Conditions:
Cardiovascular phenotype. Identifiers: MedGen CN230736.

Submission:

Ambry Genetics
Classification: Uncertain significance for Cardiovascular phenotype. Last evaluated: 2023-06-03. Review status: criteria provided, single submitter. Criteria: Ambry Variant Classification Scheme 2023. Collection method: clinical testing. Allele origin: germline.
Comment: The p.T436A variant (also known as c.1306A>G), located in coding exon 8 of the CYP27A1 gene, results from an A to G substitution at nucleotide position 1306. The threonine at codon 436 is replaced by alanine, an amino acid with similar properties. This amino acid position is conserved. In addition, this alteration is predicted to be tolerated by in silico analysis. Since supporting evidence is limited at this time, the clinical significance of this alteration remains unclear.

NM_000784.4(CYP27A1):c.1306A>G (p.Thr436Ala)

Gene: CYP27A1 (cytochrome P450 family 27 subfamily A member 1; plus strand). Cytogenetic location: 2q35.
Variant type: single nucleotide variant.
Coding change: c.1306A>G on transcript NM_000784.4 (MANE Select); coding-DNA position 1306, A replaced by G.
Protein change: p.Thr436Ala; replaces threonine 436 with alanine.
Molecular consequence: missense variant.
Genome position (GRCh38, 1-based): chr2:218,814,587, A>G. VCF-style: chr2-218814587-A-G. GRCh37 (hg19) VCF-style: chr2-219679310-A-G.
Other names: short protein forms T436A.
Identifiers: ClinVar variation 2565613 (VCV002565613.2), dbSNP rs2470229860, ClinGen allele CA350594034.